The following is an entry in ClinVar:

NM_024120.5(NDUFAF5):c.145C>T (p.Arg49Trp)

Genes: NDUFAF5 (NADH:ubiquinone oxidoreductase complex assembly factor 5; plus strand), LOC130065433 (ATAC-STARR-seq lymphoblastoid active region 17552; plus strand). Cytogenetic location: 20p12.1.
Variant type: single nucleotide variant.
Coding change: c.145C>T on transcript NM_024120.5 (MANE Select); coding-DNA position 145, C replaced by T.
Protein change: p.Arg49Trp; replaces arginine 49 with tryptophan.
Molecular consequence: missense variant. On other transcripts: 5 prime UTR variant (3), non-coding transcript variant (7).
Genome position (GRCh38, 1-based): chr20:13,785,213, C>T. VCF-style: chr20-13785213-C-T. GRCh37 (hg19) VCF-style: chr20-13765859-C-T.
Other names: c.145C>T, p.Arg49Trp (NM_001039375.3, NM_001352408.2); c.-223C>T (NM_001352403.2); c.-437C>T (NM_001352406.2); c.-551C>T (NM_001352407.2); short protein forms R49W.
Identifiers: ClinVar variation 4086132 (VCV004086132.1).

ClinVar aggregate classification (germline): Uncertain significance (1 of 4 stars; one submission).

Conditions:
Mitochondrial complex I deficiency, nuclear type 16. Also called: Mitochondrial complex 1 deficiency, nuclear type 16. Identifiers: MedGen C4748785, MONDO:0032621, OMIM 618238.

gnomAD v4.1: 4 of 1,613,588 alleles (0.00025%); highest among the groups gnomAD compares: South Asian, 0.0022%; no homozygotes.

Submission:

Neuberg Centre For Genomic Medicine, NCGM
Classification: Uncertain significance for Mitochondrial complex I deficiency, nuclear type 16. Review status: criteria provided, single submitter. Criteria: ACMG Guidelines, 2015. Collection method: clinical testing. Allele origin: germline. Inheritance: Autosomal recessive inheritance. Affected: yes.
Comment: This variant has not been reported previously in literature. For these reasons, this variant has been classified as Uncertain Significance.